The following is an entry in ClinVar:

ClinVar aggregate classification (germline): Benign/Likely benign. Review status: criteria provided, multiple submitters, no conflicts (2 of 4 stars). 9 submissions from 9 submitters: Benign (1); Likely benign (6). 2 of the submissions do not count toward it. Last evaluated 2025-12-30.

Conditions:
Cardiovascular phenotype. Identifiers: MedGen CN230736.
Cardiomyopathy (CMYO). Also called: Cardiomyopathies. Identifiers: Orphanet 167848, MedGen C0878544, MONDO:0004994, HP:0001638. Inheritance: Various modes of inheritance.
Hypertrophic cardiomyopathy. Also called: HYPERTROPHIC MYOCARDIOPATHY. Identifiers: Orphanet 217569, MedGen C0007194, MeSH D002312, MONDO:0005045, HP:0001639.

Allele frequency attached by ClinVar (database versions not stated): ExAC 0.00002; gnomAD 0.00003 and 0.00004; TOPMed 0.00003.
gnomAD v4.1: 65 of 1,614,190 alleles (0.004%); highest among the groups gnomAD compares: East Asian, 0.0089%; no homozygotes.

Submissions (9):

Ambry Genetics
Classification: Likely benign for Cardiovascular phenotype. Last evaluated: 2025-12-30. Review status: criteria provided, single submitter. Criteria: Ambry Variant Classification Scheme 2023. Collection method: clinical testing. Allele origin: germline.

Labcorp Genetics (formerly Invitae), Labcorp
Classification: Likely benign for Hypertrophic cardiomyopathy. Last evaluated: 2025-09-23. Review status: criteria provided, single submitter. Criteria: Invitae Variant Classification Sherloc (09022015). Collection method: clinical testing. Allele origin: germline.

Blueprint Genetics
Classification: Likely benign. Last evaluated: 2024-09-18. Review status: criteria provided, single submitter. Criteria: ACMG Guidelines, 2015. Collection method: clinical testing. Allele origin: germline.

Color Diagnostics, LLC DBA Color Health
Classification: Likely benign for Cardiomyopathy. Last evaluated: 2018-10-30. Review status: criteria provided, single submitter. Criteria: ACMG Guidelines, 2015. Collection method: clinical testing. Allele origin: germline.

Laboratory for Molecular Medicine, Mass General Brigham Personalized Medicine
Classification: Likely benign. Last evaluated: 2015-05-21. Review status: criteria provided, single submitter. Criteria: LMM Criteria. Collection method: clinical testing. Allele origin: germline. Observed: 1 variant allele.
Comment: p.Asn1609Asn in exon of 34 MYH7: This variant is not expected to have clinical s ignificance because it does not alter an amino acid residue and is not located w ithin the splice consensus sequence. It has been identified in 3/66740 of Europe an chromosomes by the Exome Aggregation Consortium (ExAC).

GeneDx
Classification: Benign. Last evaluated: 2013-08-09. Review status: criteria provided, single submitter. Criteria: GeneDx Variant Classification (06012015). Collection method: clinical testing. Allele origin: germline. Affected: yes.
Comment: This variant is considered likely benign or benign based on one or more of the following criteria: it is a conservative change, it occurs at a poorly conserved position in the protein, it is predicted to be benign by multiple in silico algorithms, and/or has population frequency not consistent with disease.

Breakthrough Genomics
Classification: Likely benign. Review status: criteria provided, single submitter. Criteria: ACMG Guidelines, 2015. Collection method: not provided. Allele origin: germline. Inheritance: Autosomal recessive inheritance. Affected: yes.

Clinical Genetics, Academic Medical Center
Classification: Benign. Review status: no assertion criteria provided. Collection method: clinical testing. Allele origin: germline. Affected: yes. Study: VKGL Data-share Consensus. Not counted in ClinVar's aggregate classification.

Genome Diagnostics Laboratory, University Medical Center Utrecht
Classification: Likely benign. Review status: no assertion criteria provided. Collection method: clinical testing. Allele origin: germline. Affected: yes. Study: VKGL Data-share Consensus. Not counted in ClinVar's aggregate classification.

NM_000257.4(MYH7):c.4827C>T (p.Asn1609=)

Genes: MHRT (myosin heavy chain associated RNA transcript; plus strand), MYH7 (myosin heavy chain 7; minus strand), LOC126861897 (BRD4-independent group 4 enhancer GRCh37_chr14:23884455-23885654; plus strand). Cytogenetic location: 14q11.2.
Variant type: single nucleotide variant.
Coding change: c.4827C>T on transcript NM_000257.4 (MANE Select); coding-DNA position 4827, C replaced by T.
Protein change: p.Asn1609=; no amino-acid change (asparagine 1609 retained).
Molecular consequence: synonymous variant. On other transcripts: non-coding transcript variant (1).
Genome position (GRCh38, 1-based): chr14:23,416,130, G>A on the plus strand (C>T on the coding strand, the complement: MYH7 is on the minus strand). VCF-style: chr14-23416130-G-A. GRCh37 (hg19) VCF-style: chr14-23885339-G-A.
Other names: p.N1609N:AAC>AAT.
Identifiers: ClinVar variation 138383 (VCV000138383.22), dbSNP rs587781085, ClinGen allele CA015366.
Genomic context (GRCh38, chr14:23,416,130, plus strand): 5'-GAGCTGGATCTCCATCTCATTGAGGTCTCCTTCCATCTTCTTCTTCACCCTCAGGGCCTC[G>A]TTGCGGCTGCGTGTCTCTGCGTCCAGGGAGGTCTGCAGCGAGTCCACCACCCGCAGGTGG-3'
Protein context (NP_000248.2, residues 1599-1619): TSLDAETRSR[Asn1609=]EALRVKKKME